The following is an entry in ClinVar:

NM_004958.4(MTOR):c.5537G>A (p.Gly1846Asp)

Gene: MTOR (mechanistic target of rapamycin kinase; minus strand). Cytogenetic location: 1p36.22.
Variant type: single nucleotide variant.
Coding change: c.5537G>A on transcript NM_004958.4 (MANE Select); coding-DNA position 5537, G replaced by A.
Protein change: p.Gly1846Asp; replaces glycine 1846 with aspartic acid.
Molecular consequence: missense variant.
Genome position (GRCh38, 1-based): chr1:11,130,605, C>T on the plus strand (G>A on the coding strand, the complement: MTOR is on the minus strand). VCF-style: chr1-11130605-C-T. GRCh37 (hg19) VCF-style: chr1-11190662-C-T.
Other names: c.5537G>A, p.Gly1846Asp (NM_001386500.1); c.4289G>A, p.Gly1430Asp (NM_001386501.1); short protein forms G1430D, G1846D.
Identifiers: ClinVar variation 1309922 (VCV001309922.2), dbSNP rs2100430794, ClinGen allele CA338398340.

ClinVar aggregate classification (germline): Uncertain significance (1 of 4 stars; one submission).

Allele frequency attached by ClinVar (database versions not stated): gnomAD exomes below 0.00001.
gnomAD v4.1: 2 of 1,613,856 alleles (0.00012%); highest among the groups gnomAD compares: South Asian, 0.0011%; no homozygotes.

Submission:

GeneDx
Classification: Uncertain significance. Last evaluated: 2020-11-02. Review status: criteria provided, single submitter. Criteria: GeneDx Variant Classification Process June 2021. Collection method: clinical testing. Allele origin: germline. Affected: yes.
Comment: Not observed in large population cohorts (Lek et al., 2016); Has not been previously published as pathogenic or benign to our knowledge; In silico analysis, which includes protein predictors and evolutionary conservation, supports that this variant does not alter protein structure/function